The following is an entry in ClinVar:

NM_000297.4(PKD2):c.1542C>G (p.Ile514Met)

Gene: PKD2 (polycystin 2, transient receptor potential cation channel; plus strand). Cytogenetic location: 4q22.1.
Variant type: single nucleotide variant.
Coding change: c.1542C>G on transcript NM_000297.4 (MANE Select); coding-DNA position 1542, C replaced by G.
Protein change: p.Ile514Met; replaces isoleucine 514 with methionine.
Molecular consequence: missense variant. On other transcripts: non-coding transcript variant (1).
Genome position (GRCh38, 1-based): chr4:88,046,864, C>G. VCF-style: chr4-88046864-C-G. GRCh37 (hg19) VCF-style: chr4-88968016-C-G.
Other names: short protein forms I514M.
Identifiers: ClinVar variation 2739374 (VCV002739374.3), dbSNP rs145716012, ClinGen allele CA357619876.

ClinVar aggregate classification (germline): Uncertain significance (1 of 4 stars; one submission).

Conditions:
Autosomal dominant polycystic kidney disease. Identifiers: Orphanet 730, MedGen C0085413, MONDO:0004691.

Submission:

Labcorp Genetics (formerly Invitae), Labcorp
Classification: Uncertain significance for Autosomal dominant polycystic kidney disease. Last evaluated: 2023-08-10. Review status: criteria provided, single submitter. Criteria: Invitae Variant Classification Sherloc (09022015). Collection method: clinical testing. Allele origin: germline.
Comment: This sequence change replaces isoleucine, which is neutral and non-polar, with methionine, which is neutral and non-polar, at codon 514 of the PKD2 protein (p.Ile514Met). This variant is not present in population databases (gnomAD no frequency). This variant has not been reported in the literature in individuals affected with PKD2-related conditions. Advanced modeling of protein sequence and biophysical properties (such as structural, functional, and spatial information, amino acid conservation, physicochemical variation, residue mobility, and thermodynamic stability) performed at Invitae indicates that this missense variant is not expected to disrupt PKD2 protein function. Algorithms developed to predict the effect of sequence changes on RNA splicing suggest that this variant may disrupt the consensus splice site. In summary, the available evidence is currently insufficient to determine the role of this variant in disease. Therefore, it has been classified as a Variant of Uncertain Significance.